The following is an entry in ClinVar:

NM_004614.5(TK2):c.323C>T (p.Thr108Met)

Gene: TK2 (thymidine kinase 2; minus strand). Cytogenetic location: 16q21.
Variant type: single nucleotide variant.
Coding change: c.323C>T on transcript NM_004614.5 (MANE Select); coding-DNA position 323, C replaced by T.
Protein change: p.Thr108Met; replaces threonine 108 with methionine.
Molecular consequence: missense variant. On other transcripts: non-coding transcript variant (1).
Genome position (GRCh38, 1-based): chr16:66,531,432, G>A on the plus strand (C>T on the coding strand, the complement: TK2 is on the minus strand). VCF-style: chr16-66531432-G-A. GRCh37 (hg19) VCF-style: chr16-66565335-G-A.
Other names: p.T108M:ACG>ATG; c.230C>T, p.Thr77Met (NM_001172643.1, NM_001271935.1); c.248C>T, p.Thr83Met (NM_001172644.2); c.269C>T, p.Thr90Met (NM_001172645.2); c.176C>T, p.Thr59Met (NM_001271934.2); c.32C>T, p.Thr11Met (NM_001272050.2); short protein forms T108M, T59M, T11M, T90M, T77M, T83M.
Identifiers: ClinVar variation 12710 (VCV000012710.51), dbSNP rs137854431, ClinGen allele CA324292.

ClinVar aggregate classification (germline): Pathogenic. Review status: criteria provided, multiple submitters, no conflicts (2 of 4 stars). 18 submissions from 18 submitters: Pathogenic (16). 2 of the submissions do not count toward it. Last evaluated 2026-06-03.

Conditions:
TK2-related disorder. Also called: TK2-related condition.
Progressive external ophthalmoplegia with mitochondrial DNA deletions, autosomal recessive 3 (PEOB3). Also called: PROGRESSIVE EXTERNAL OPHTHALMOPLEGIA, AUTOSOMAL RECESSIVE 3. Identifiers: Orphanet 254886, MedGen C4310734, MONDO:0014898, OMIM 617069.
Mitochondrial DNA depletion syndrome. Also called: mitochondrial DNA depletion. Identifiers: Orphanet 35698, MedGen C0342782, MONDO:0018158.
Mitochondrial disease. Also called: Mitochondrial disorder; Mitochondrial disorders. Identifiers: Orphanet 68380, MedGen C0751651, MeSH D028361, MONDO:0044970.
Mitochondrial DNA depletion syndrome, myopathic form (MTDPS2). Also called: MITOCHONDRIAL DNA DEPLETION MYOPATHY, TK2-RELATED; TK2-Related Mitochondrial DNA Maintenance Defect, Myopathic Form; MITOCHONDRIAL DNA DEPLETION SYNDROME 2 (MYOPATHIC TYPE). Identifiers: Orphanet 254875, MedGen C3149750, MONDO:0012301, OMIM 609560.

Allele frequency attached by ClinVar (database versions not stated): ExAC 0.00002; gnomAD exomes 0.00003 and 0.00004; gnomAD 0.00013; TOPMed 0.00023.
gnomAD v4.1: 61 of 1,614,060 alleles (0.0038%); highest among the groups gnomAD compares: Admixed American, 0.047%; no homozygotes.

Submissions 1 to 8 of 18:

PreventionGenetics, part of Exact Sciences
Classification: Pathogenic for TK2-related condition. Last evaluated: 2026-06-03. Review status: criteria provided, single submitter. Criteria: ACMG Guidelines, 2015. Collection method: clinical testing. Allele origin: germline.
Comment: The TK2 c.323C>T variant is predicted to result in the amino acid substitution p.Thr108Met. This particular substitution has been shown to lead to an approximately 100-fold decrease in the enzyme efficiency of thymidine kinase 2 (TK2) (defined as “T77M” in Wang et al. 2005. PubMed ID: 15639197). The p.Thr108Met substitution has also been repeatedly reported as “T77M” or “T108M” in patients with mitochondrial DNA depletion syndrome (Mancuso et al. 2003. PubMed ID: 12873860; Mancuso et al. 2002. PubMed ID: 12391347; Oskoui et al. 2006. PubMed ID: 16908738). This variant is reported in 0.023% of alleles in individuals of Latino descent in gnomAD. This variant is interpreted as pathogenic.

Labcorp Genetics (formerly Invitae), Labcorp
Classification: Pathogenic. Last evaluated: 2025-12-22. Review status: criteria provided, single submitter. Criteria: Invitae Variant Classification Sherloc (09022015). Collection method: clinical testing. Allele origin: germline.
Comment: This sequence change replaces threonine, which is neutral and polar, with methionine, which is neutral and non-polar, at codon 108 of the TK2 protein (p.Thr108Met). This variant is present in population databases (rs137854431, gnomAD 0.02%). This missense change has been observed in individuals with mtDNA depletion syndrome (PMID: 12391347, 12873860, 15639197, 16908738, 22345218, 23303857, 28812460). This variant is also known as T77M. ClinVar contains an entry for this variant (Variation ID: 12710). Invitae Evidence Modeling of protein sequence and biophysical properties (such as structural, functional, and spatial information, amino acid conservation, physicochemical variation, residue mobility, and thermodynamic stability) has been performed for this missense variant. However, the output from this modeling did not meet the statistical confidence thresholds required to predict the impact of this variant on TK2 protein function. Experimental studies have shown that this missense change affects TK2 function (PMID: 12391347, 12873860, 15639197, 19265691, 24484525, 28812460). For these reasons, this variant has been classified as Pathogenic.

3billion
Classification: Pathogenic for Mitochondrial DNA depletion syndrome, myopathic form. Last evaluated: 2025-12-12. Review status: criteria provided, single submitter. Criteria: ACMG Guidelines, 2015. Collection method: clinical testing. Allele origin: germline. Affected: yes.
Comment: The variant is observed at an extremely low frequency in the gnomAD v4.1.0 dataset (total allele frequency: 0.004%). Predicted Consequence/Location: Missense variant Functional studies provide strong evidence of the variant having a damaging effect on the gene or gene product (PMID: 15639197). In silico tool predictions suggest damaging effect of the variant on gene or gene product [REVEL: 0.85 (>=0.6, sensitivity 0.68 and specificity 0.92); 3Cnet: 0.99 (> 0.75, sensitivity 0.96 and precision 0.92)]. The same nucleotide change resulting in the same amino acid change has been previously reported as pathogenic/likely pathogenic with strong evidence (ClinVar ID: VCV000012710 /PMID: 12391347 /3billion dataset). The variant has been reported to co-segregate with the disease in at least one similarly affected relative/individual in the same family or similarly affected unrelated families (PMID: 12873860). Therefore, this variant is classified as Pathogenic according to the recommendation of ACMG/AMP guideline.

Genomenon, Inc
Classification: Pathogenic for Mitochondrial disease. Last evaluated: 2025-11-24. Review status: criteria provided, single submitter. Criteria: Genomenon Sequence Variant Interpretation Standards - Updated. Collection method: curation. Allele origin: germline. Affected: yes.
Comment: TK2 p.Thr108Met (c.323C>T) is a missense variant that changes the amino acid at residue 108 from Threonine to Methionine. It is also described as T77M and T150M in the literature. This variant has been observed in multiple probands affected with mitochondrial disease in both the homozygous and compound heterozygous state (29602790, 31125140, 35907766). TK2 Thr108Met was found to segregate with disease in multiple affected families (12391347, 12873860, 31060578, 37377599). Experimental studies have shown that this variant results in a significant reduction of catalytic activity compared to the wild type (15639197). This variant is not present at a significant frequency in gnomAD, and in silico models agree that this variant is possibly or probably damaging. In conclusion, we classify TK2 p.Thr108Met (c.323C>T) as a pathogenic variant.

Dasa
Classification: Pathogenic. Last evaluated: 2024-12-05. Review status: criteria provided, single submitter. Criteria: DASA Assertion Criteria. Collection method: clinical testing. Allele origin: germline.
Comment: NM_004614.5(TK2):c.323C>T (p.Thr108Met) is a missense variant that results in the substitution of threonine with methionine. This variant has been observed in affected individuals with related phenotype in a genotype context consistent with recessive disease (PMID: 15639197). Functional evidence supports a deleterious effect on the gene or gene product (PMID: 15639197). This variant has been reported in individuals with related phenotype (PMID: 15639197). Multiple computational predictions support a deleterious effect on the gene or gene product. The variant is present at low frequency in population datasets. Based on the available data, this variant is classified as pathogenic.

Blueprint Genetics
Classification: Pathogenic for TK2-related disorders. Last evaluated: 2024-07-15. Review status: criteria provided, single submitter. Criteria: ACMG Guidelines, 2015. Collection method: clinical testing. Allele origin: germline. Affected: yes. Observed: 2 variant alleles.

GeneDx
Classification: Pathogenic. Last evaluated: 2024-05-01. Review status: criteria provided, single submitter. Criteria: GeneDx Variant Classification Process June 2021. Collection method: clinical testing. Allele origin: germline. Affected: yes.
Comment: Published functional studies found this variant is associated with a significant decrease in enzyme efficiency and catalytic activity compared to wild-type (PMID: 15639197); In silico analysis supports that this missense variant has a deleterious effect on protein structure/function; Also known as p.(T77M); This variant is associated with the following publications: (PMID: 28217183, 29602790, 16908738, 19265691, 18021809, 12873860, 1734306, 23303857, 26925861, 27839525, 28812460, 29625556, 25948719, 32140910, 31589614, 36344503, 33486010, 32161153, 12391347, 22345218, 15639197, 31060578)

Women's Health and Genetics/Laboratory Corporation of America, LabCorp
Classification: Pathogenic for Mitochondrial DNA depletion syndrome. Last evaluated: 2024-02-23. Review status: criteria provided, single submitter. Criteria: LabCorp Variant Classification Summary - May 2015. Collection method: clinical testing. Allele origin: germline.
Comment: Variant summary: TK2 c.323C>T (p.Thr108Met) results in a non-conservative amino acid change located in the deoxynucleoside kinase domain (IPR031314) of the encoded protein sequence. Four of five in-silico tools predict a damaging effect of the variant on protein function. The variant allele was found at a frequency of 4.4e-05 in 251080 control chromosomes (gnomAD). This frequency is not significantly higher than estimated for a pathogenic variant in TK2 causing TK2-Related Mitochondrial DNA Depletion Syndrome (4.4e-05 vs 0.0011), allowing no conclusion about variant significance. c.323C>T has been reported in the literature in multiple homozygous and compound heterozygous individuals affected with TK2-Related Mitochondrial DNA Depletion Syndrome (e.g. Wang_2005, Camara_2015). These data indicate that the variant is very likely to be associated with disease. At least one publication reports experimental evidence evaluating an impact on protein function (Wang_2005). The most pronounced variant effect results in <10% of enzyme activity versus the WT protein. The following publications have been ascertained in the context of this evaluation (PMID: 25948719, 15639197). ClinVar contains an entry for this variant (Variation ID: 12710). Based on the evidence outlined above, the variant was classified as pathogenic.